The following is an entry in ClinVar:

NM_017617.5(NOTCH1):c.451A>C (p.Asn151His)

Gene: NOTCH1 (notch receptor 1; minus strand). Cytogenetic location: 9q34.3.
Variant type: single nucleotide variant.
Coding change: c.451A>C on transcript NM_017617.5 (MANE Select); coding-DNA position 451, A replaced by C.
Protein change: p.Asn151His; replaces asparagine 151 with histidine.
Molecular consequence: missense variant.
Genome position (GRCh38, 1-based): chr9:136,523,141, T>G on the plus strand (A>C on the coding strand, the complement: NOTCH1 is on the minus strand). VCF-style: chr9-136523141-T-G. GRCh37 (hg19) VCF-style: chr9-139417593-T-G.
Other names: short protein forms N151H.
Identifiers: ClinVar variation 3226968 (VCV003226968.1), dbSNP rs542928414, ClinGen allele CA5342150.
Genomic context (GRCh38, chr9:136,523,141, plus strand): 5'-GGAAGCTGGGTGGGCAGTGGCAGATGTAGGAGGCCTCGAAGGGCAGGCACTGGCCACCGT[T>G]GGCGCAGGGGTTGGAGGCGCACGGGTCAGCCTGCTGGCACGATTTCCCTGGAGACAAGGG-3'
Protein context (NP_060087.3, residues 141-161): ADPCASNPCA[Asn151His]GGQCLPFEAS

ClinVar aggregate classification (germline): Uncertain significance (1 of 4 stars; one submission).

Conditions:
Familial thoracic aortic aneurysm and aortic dissection (TAAD). Also called: Thoracic aortic aneurysms and dissections. Identifiers: Orphanet 91387, MedGen C4707243, MONDO:0019625.

Allele frequency attached by ClinVar (database versions not stated): TOPMed below 0.00001; gnomAD 0.00001; 1000 Genomes Project 0.00020; 1000 Genomes Project 30x 0.00031.
gnomAD v4.1: 1 of 1,606,450 alleles (0.000062%); highest among the groups gnomAD compares: African/African-American, 0.0013%; no homozygotes.

Submission:

Ambry Genetics
Classification: Uncertain significance for Familial thoracic aortic aneurysm and aortic dissection. Last evaluated: 2023-11-01. Review status: criteria provided, single submitter. Criteria: Ambry Variant Classification Scheme 2023. Collection method: clinical testing. Allele origin: germline.
Comment: The p.N151H variant (also known as c.451A>C), located in coding exon 4 of the NOTCH1 gene, results from an A to C substitution at nucleotide position 451. The asparagine at codon 151 is replaced by histidine, an amino acid with similar properties. This amino acid position is conserved. In addition, the in silico prediction for this alteration is inconclusive. Since supporting evidence is limited at this time, the clinical significance of this alteration remains unclear.